The following is an entry in ClinVar:

NM_007294.4(BRCA1):c.5482T>A (p.Cys1828Ser)

Gene: BRCA1 (BRCA1 DNA repair associated; minus strand). Cytogenetic location: 17q21.31.
Variant type: single nucleotide variant.
Coding change: c.5482T>A on transcript NM_007294.4 (MANE Select); coding-DNA position 5482, T replaced by A.
Protein change: p.Cys1828Ser; replaces cysteine 1828 with serine.
Molecular consequence: missense variant. On other transcripts: non-coding transcript variant (1).
Genome position (GRCh38, 1-based): chr17:43,045,788, A>T on the plus strand (T>A on the coding strand, the complement: BRCA1 is on the minus strand). VCF-style: chr17-43045788-A-T. GRCh37 (hg19) VCF-style: chr17-41197805-A-T.
Other names: c.5359T>A, p.Cys1787Ser (NM_001407668.1, NM_001407669.1, NM_001407665.1 and 3 more transcripts); c.5356T>A, p.Cys1786Ser (NM_001407670.1, NM_001407671.1, NM_001407672.1 and 8 more transcripts); c.5353T>A, p.Cys1785Ser (NM_001407687.1, NM_001407688.1, NM_001407689.1 and 6 more transcripts); c.5350T>A, p.Cys1784Ser (NM_001407690.1, NM_001407691.1); c.5341T>A, p.Cys1781Ser (NM_001407692.1, NM_001407694.1, NM_001407695.1 and 12 more transcripts); c.5338T>A, p.Cys1780Ser (NM_001407732.1, NM_001407733.1, NM_001407734.1 and 18 more transcripts); c.2170T>A, p.Cys724Ser (NM_001407982.1, NM_001407983.1, NM_001407984.1 and 11 more transcripts); c.2167T>A, p.Cys723Ser (NM_001408392.1, NM_001408396.1, NM_001408397.1 and 7 more transcripts); and 83 more; short protein forms C1781S, C1828S, C724S, V699E, C1849S, C1531S, C1659S, C1674S.
Identifiers: ClinVar variation 867588 (VCV000867588.3), dbSNP rs1060502342, ClinGen allele CA10590353.
Genomic context (GRCh38, chr17:43,045,788, plus strand): 5'-GGCACTGGTAGAGTGCTACACTGTCCAACACCCACTCTCGGGTCACCACAGGTGCCTCAC[A>T]CATCTGCCCAATTGCTGGAGACAGAGAACACAAGCAGAGATTAGTGTCAATTCATTCTCC-3'
Protein context (NP_009225.1, residues 1818-1838): DNGFHAIGQM[Cys1828Ser]EAPVVTREWV

Conditions:
Breast-ovarian cancer, familial, susceptibility to, 1 (BROVCA1). Also called: BRCA1 Hereditary Breast and Ovarian Cancer; OVARIAN CANCER, SUSCEPTIBILITY TO. Identifiers: Orphanet 145, MedGen C2676676, MONDO:0011450, OMIM 604370. Disease mechanism: loss of function.

Submission:

Brotman Baty Institute, University of Washington
No classification provided (evidence only). Condition: Breast-ovarian cancer, familial 1. Review status: no classification provided. Collection method: in vitro. Allele origin: not applicable. Functional consequence: functionally_normal.
ClinVar note: "not provided" was previously submitted as the classification for the variant. However, the classification appeared to be based only on an observation of functional data so it was converted to no classification on 2025-07-30.